The following is an entry in ClinVar:

ClinVar aggregate classification (germline): Conflicting classifications of pathogenicity. Review status: criteria provided, conflicting classifications (1 of 4 stars). 2 submissions from 2 submitters: Uncertain significance (1); Likely benign (1). Last evaluated 2024-05-02.

Conditions:
Inborn genetic diseases. Identifiers: MedGen C0950123, MeSH D030342.

Allele frequency attached by ClinVar (database versions not stated): gnomAD 0.00002; gnomAD exomes 0.00003 and 0.00005; TOPMed 0.00003; ExAC 0.00004.

Submissions (2):

Ambry Genetics
Classification: Likely benign for Inborn genetic diseases. Last evaluated: 2024-05-02. Review status: criteria provided, single submitter. Criteria: Ambry Variant Classification Scheme 2023. Collection method: clinical testing. Allele origin: germline.

GeneDx
Classification: Uncertain significance. Last evaluated: 2016-08-17. Review status: criteria provided, single submitter. Criteria: GeneDx Variant Classification (06012015). Collection method: clinical testing. Allele origin: germline. Affected: yes.
Comment: The P591S variant in the CACNA1G gene has not been reported previously as a pathogenic variant, nor as a benign variant, to our knowledge. The P591S variant was not observed in approximately 6200 individuals of European and African American ancestry in the NHLBI Exome Sequencing Project, indicating it is not a common benign variant in these populations. The P591S variant is a non-conservative amino acid substitution, which is likely to impact secondary protein structure as these residues differ in polarity, charge, size and/or other properties. This substitution occurs at a position that is conserved across species. In silico analysis predicts this variant is probably damaging to the protein structure/function. We interpret P591S as a variant of uncertain significance.

NM_018896.5(CACNA1G):c.1771C>T (p.Pro591Ser)

Gene: CACNA1G (calcium voltage-gated channel subunit alpha1 G; plus strand). Cytogenetic location: 17q21.33.
Variant type: single nucleotide variant.
Coding change: c.1771C>T on transcript NM_018896.5 (MANE Select); coding-DNA position 1771, C replaced by T.
Protein change: p.Pro591Ser; replaces proline 591 with serine.
Molecular consequence: missense variant. On other transcripts: non-coding transcript variant (5).
Genome position (GRCh38, 1-based): chr17:50,576,173, C>T. VCF-style: chr17-50576173-C-T. GRCh37 (hg19) VCF-style: chr17-48653534-C-T.
Other names: c.1771C>T, p.Pro591Ser (NM_001256324.2, NM_001256325.2, NM_001256326.2 and 24 more transcripts); c.1771C>T (NM_018896.3); short protein forms P591S.
Identifiers: ClinVar variation 388475 (VCV000388475.3), dbSNP rs771214256, ClinGen allele CA8652237.
Genomic context (GRCh38, chr17:50,576,173, plus strand): 5'-CCCCCTCCCAGGTCCCCATCTGAGGCATCCGGCAGGACTGTGGGCAGCGGGAAGGTGTAT[C>T]CCACCGTGCACACCAGCCCTCCACCGGAGACGCTGAAGGAGAAGGCACTAGTAGAGGTGG-3'
Protein context (NP_061496.2, residues 581-601): GRTVGSGKVY[Pro591Ser]TVHTSPPPET